The following is an entry in ClinVar:

NM_001122752.2(SERPINI1):c.530A>C (p.Tyr177Ser)

Gene: SERPINI1 (serpin family I member 1; plus strand). Cytogenetic location: 3q26.1.
Variant type: single nucleotide variant.
Coding change: c.530A>C on transcript NM_001122752.2 (MANE Select); coding-DNA position 530, A replaced by C.
Protein change: p.Tyr177Ser; replaces tyrosine 177 with serine.
Molecular consequence: missense variant.
Genome position (GRCh38, 1-based): chr3:167,792,638, A>C. VCF-style: chr3-167792638-A-C. GRCh37 (hg19) VCF-style: chr3-167510426-A-C.
Other names: c.530A>C, p.Tyr177Ser (NM_005025.5); short protein forms Y177S.
Identifiers: ClinVar variation 2009830 (VCV002009830.4), dbSNP rs765811460, ClinGen allele CA355156534.

ClinVar aggregate classification (germline): Uncertain significance (1 of 4 stars; one submission).

Conditions:
Familial encephalopathy with neuroserpin inclusion bodies. Also called: ENCEPHALOPATHY, FAMILIAL, WITH COLLINS BODIES. Identifiers: Orphanet 85110, MedGen C1858680, MONDO:0011412, OMIM 604218.

Submission:

Labcorp Genetics (formerly Invitae), Labcorp
Classification: Uncertain significance for Familial encephalopathy with neuroserpin inclusion bodies. Last evaluated: 2022-10-21. Review status: criteria provided, single submitter. Criteria: Invitae Variant Classification Sherloc (09022015). Collection method: clinical testing. Allele origin: germline.
Comment: This variant is not present in population databases (gnomAD no frequency). This sequence change replaces tyrosine, which is neutral and polar, with serine, which is neutral and polar, at codon 177 of the SERPINI1 protein (p.Tyr177Ser). This variant has not been reported in the literature in individuals affected with SERPINI1-related conditions. Advanced modeling of protein sequence and biophysical properties (such as structural, functional, and spatial information, amino acid conservation, physicochemical variation, residue mobility, and thermodynamic stability) performed at Invitae indicates that this missense variant is not expected to disrupt SERPINI1 protein function. In summary, the available evidence is currently insufficient to determine the role of this variant in disease. Therefore, it has been classified as a Variant of Uncertain Significance.